The following is an entry in ClinVar:

NM_001166108.2(PALLD):c.2365G>C (p.Glu789Gln)

Genes: CBR4 (carbonyl reductase 4; minus strand), PALLD (palladin, cytoskeletal associated protein; plus strand). Cytogenetic location: 4q32.3.
Variant type: single nucleotide variant.
Coding change: c.2365G>C on transcript NM_001166108.2 (MANE Select); coding-DNA position 2365, G replaced by C.
Protein change: p.Glu789Gln; replaces glutamic acid 789 with glutamine.
Molecular consequence: missense variant.
Genome position (GRCh38, 1-based): chr4:168,898,607, G>C. VCF-style: chr4-168898607-G-C. GRCh37 (hg19) VCF-style: chr4-169819758-G-C.
Other names: c.1168G>C, p.Glu390Gln (NM_001166109.2); c.853G>C, p.Glu285Gln (NM_001166110.2); c.193G>C, p.Glu65Gln (NM_001367567.1, NM_001367569.1); c.244G>C, p.Glu82Gln (NM_001367568.1, NM_001367570.1); c.2314G>C, p.Glu772Gln (NM_016081.4); short protein forms E390Q, E82Q, E285Q, E65Q, E772Q, E789Q.
Identifiers: ClinVar variation 3927540 (VCV003927540.1).

ClinVar aggregate classification (germline): Uncertain significance (1 of 4 stars; one submission).

gnomAD v4.1: 2 of 1,613,886 alleles (0.00012%); highest among the groups gnomAD compares: Non-Finnish European, 0.000085%; no homozygotes.

Submission:

Ambry Genetics
Classification: Uncertain significance. Last evaluated: 2025-04-20. Review status: criteria provided, single submitter. Criteria: Ambry Variant Classification Scheme 2023. Collection method: clinical testing. Allele origin: germline.
Comment: The p.E285Q variant (also known as c.853G>C), located in coding exon 4 of the PALLD gene, results from a G to C substitution at nucleotide position 853. The glutamic acid at codon 285 is replaced by glutamine, an amino acid with highly similar properties. This amino acid position is conserved. In addition, this alteration is predicted to be tolerated by in silico analysis. Based on the available evidence, the clinical significance of this variant remains unclear.